The following is an entry in ClinVar:

ClinVar aggregate classification (germline): Uncertain significance (1 of 4 stars; one submission).

Conditions:
Inborn genetic diseases. Identifiers: MedGen C0950123, MeSH D030342.

Submission:

Ambry Genetics
Classification: Uncertain significance for Inborn genetic diseases. Last evaluated: 2024-12-15. Review status: criteria provided, single submitter. Criteria: Ambry Variant Classification Scheme 2023. Collection method: clinical testing. Allele origin: germline.
Comment: The p.M1561I variant (also known as c.4683G>T), located in coding exon 19 of the FANCM gene, results from a G to T substitution at nucleotide position 4683. The methionine at codon 1561 is replaced by isoleucine, an amino acid with highly similar properties. This amino acid position is conserved. In addition, the in silico prediction for this alteration is inconclusive. Based on the available evidence, the clinical significance of this variant remains unclear.

NM_020937.4(FANCM):c.4683G>T (p.Met1561Ile)

Gene: FANCM (FA complementation group M; plus strand). Cytogenetic location: 14q21.2.
Variant type: single nucleotide variant.
Coding change: c.4683G>T on transcript NM_020937.4 (MANE Select); coding-DNA position 4683, G replaced by T.
Protein change: p.Met1561Ile; replaces methionine 1561 with isoleucine.
Molecular consequence: missense variant.
Genome position (GRCh38, 1-based): chr14:45,187,791, G>T. VCF-style: chr14-45187791-G-T. GRCh37 (hg19) VCF-style: chr14-45656994-G-T.
Other names: c.4605G>T, p.Met1535Ile (NM_001308133.2); short protein forms M1561I, M1535I.
Identifiers: ClinVar variation 3848502 (VCV003848502.1).